The following is an entry in ClinVar:

NM_001003694.2(BRPF1):c.28_29del (p.Phe10fs)

Gene: BRPF1 (bromodomain and PHD finger containing 1; plus strand). Cytogenetic location: 3p25.3.
Variant type: Deletion.
Coding change: c.28_29del on transcript NM_001003694.2 (MANE Select); coding-DNA positions 28 to 29, 2 bases deleted (TT; older notation c.28_29delTT).
Protein change: p.Phe10fs; shifts the reading frame from phenylalanine 10.
Molecular consequence: frameshift variant. On other transcripts: non-coding transcript variant (1).
Genome position (GRCh38, 1-based): chr3:9,734,168-9,734,169, TT deleted; deleting any 2 consecutive bases within chr3:9,734,167-9,734,169 gives the same sequence; the c. name uses the placement nearest the transcript's 3' end. VCF-style (leftmost placement, unchanged base first): chr3-9734166-CTT-C. GRCh37 (hg19) VCF-style: chr3-9775850-CTT-C.
Other names: c.28_29del, p.Phe10fs (NM_001319049.2, NM_001319050.2, NM_004634.3); short protein forms F10fs.
Identifiers: ClinVar variation 522172 (VCV000522172.5), dbSNP rs1553693712, ClinGen allele CA658796233.
Genomic context (GRCh38, chr3:9,734,166, plus strand): 5'-ATGTTAACTGATCTGTGTATTCTAGATGTGACAGCATGGGGGTGGACTTTGATGTGAAGA[CTT>C]TCTGCCACAACTTGCGGGCGACTAAGCCACCATACGAGTGCCCGGTGGAGACCTGCCGAA-3'

ClinVar aggregate classification (germline): Pathogenic (1 of 4 stars; one submission).

Conditions:
Inborn genetic diseases. Identifiers: MedGen C0950123, MeSH D030342.

Submission:

Ambry Genetics
Classification: Pathogenic for Inborn genetic diseases. Last evaluated: 2023-03-02. Review status: criteria provided, single submitter. Criteria: Ambry Variant Classification Scheme 2023. Collection method: clinical testing. Allele origin: germline.
Comment: The c.28_29delTT (p.F10Lfs*8) alteration, located in exon 2 (coding exon 1) of the BRPF1 gene, consists of a deletion of 2 nucleotides from position 28 to 29, causing a translational frameshift with a predicted alternate stop codon after 8 amino acids. The predicted stop codon occurs in the 5' end of the BRPF1 gene. Premature termination codons in the 5&rsquo; end of a gene have been reported to escape nonsense-mediated mRNA decay and/or lead to re-initiation (Rivas, 2015; Lindeboom, 2016; Rhee, 2017). Direct evidence for this alteration is unavailable; however, premature termination codons are typically deleterious in nature. This variant was not reported in population-based cohorts in the Genome Aggregation Database (gnomAD). Based on the available evidence, this alteration is classified as pathogenic.

Literature cited by the submitters: PubMed 25954003; PubMed 27618451; PubMed 28490743.